The following is an entry in ClinVar:

ClinVar aggregate classification (germline): Uncertain significance (0 of 4 stars; one submission).

Conditions:
ADCY3-related disorder. Also called: ADCY3-related condition.

Submission:

PreventionGenetics, part of Exact Sciences
Classification: Uncertain significance for ADCY3-related condition. Last evaluated: 2024-06-17. Review status: no assertion criteria provided. Collection method: clinical testing. Allele origin: germline.
Comment: The ADCY3 c.2642G>C variant is predicted to result in the amino acid substitution p.Arg881Pro. To our knowledge, this variant has not been reported in the literature or in a large population database, indicating this variant is rare. At this time, the clinical significance of this variant is uncertain due to the absence of conclusive functional and genetic evidence.

NM_004036.5(ADCY3):c.2639G>C (p.Arg880Pro)

Gene: ADCY3 (adenylate cyclase 3; minus strand). Cytogenetic location: 2p23.3.
Variant type: single nucleotide variant.
Coding change: c.2639G>C on transcript NM_004036.5 (MANE Select); coding-DNA position 2639, G replaced by C.
Protein change: p.Arg880Pro; replaces arginine 880 with proline.
Molecular consequence: missense variant.
Genome position (GRCh38, 1-based): chr2:24,824,475, C>G on the plus strand (G>C on the coding strand, the complement: ADCY3 is on the minus strand). VCF-style: chr2-24824475-C-G. GRCh37 (hg19) VCF-style: chr2-25047344-C-G.
Other names: c.2642G>C, p.Arg881Pro (NM_001320613.2); c.2705G>C, p.Arg902Pro (NM_001377128.1); c.2501G>C, p.Arg834Pro (NM_001377129.1); c.2234G>C, p.Arg745Pro (NM_001377130.1); c.1916G>C, p.Arg639Pro (NM_001377131.1); c.2639G>C, p.Arg880Pro (NM_001377132.1); short protein forms R639P, R745P, R834P, R880P, R881P, R902P.
Identifiers: ClinVar variation 3344687 (VCV003344687.1).